The following is an entry in ClinVar:

ClinVar aggregate classification (germline): Likely benign. Review status: criteria provided, multiple submitters, no conflicts (2 of 4 stars). 4 submissions from 4 submitters: Likely benign (4). Last evaluated 2024-12-20.

Conditions:
Catecholaminergic polymorphic ventricular tachycardia (CVPT). Also called: Catecholamine-induced polymorphic ventricular tachycardia. Identifiers: Orphanet 3286, MedGen C5574922, MONDO:0017990.
Cardiomyopathy (CMYO). Also called: Cardiomyopathies. Identifiers: Orphanet 167848, MedGen C0878544, MONDO:0004994, HP:0001638. Inheritance: Various modes of inheritance.
Catecholaminergic polymorphic ventricular tachycardia 1. Also called: VENTRICULAR TACHYCARDIA, CATECHOLAMINERGIC POLYMORPHIC, 1, WITH OR WITHOUT ATRIAL DYSFUNCTION AND/OR DILATED CARDIOMYOPATHY; RYR2-Related Catecholaminergic Polymorphic Ventricular Tachycardia; VENTRICULAR TACHYCARDIA, STRESS-INDUCED POLYMORPHIC 1. Identifiers: Orphanet 3286, MedGen C1631597, MONDO:0011484, OMIM 604772.
Cardiovascular phenotype. Identifiers: MedGen CN230736.

Allele frequency attached by ClinVar (database versions not stated): gnomAD 0.00001.
gnomAD v4.1: 1 of 1,611,928 alleles (0.000062%); no homozygotes.

Submissions (4):

Ambry Genetics
Classification: Likely benign for Cardiovascular phenotype. Last evaluated: 2024-12-20. Review status: criteria provided, single submitter. Criteria: Ambry Variant Classification Scheme 2023. Collection method: clinical testing. Allele origin: germline.

All of Us Research Program, National Institutes of Health
Classification: Likely benign for Catecholaminergic polymorphic ventricular tachycardia. Last evaluated: 2023-12-01. Review status: criteria provided, single submitter. Criteria: ACMG Guidelines, 2015. Collection method: clinical testing. Allele origin: germline. Inheritance: Autosomal dominant inheritance. Observed: 3 variant alleles, 3 heterozygotes.
Comment: This study involves interpretation of variants in research participants for the purpose of population health screening. Participant phenotype was not available at the time of variant classification. Additional details can be found in publication PMID: 35346344, PMCID: PMC8962531

Labcorp Genetics (formerly Invitae), Labcorp
Classification: Likely benign for Catecholaminergic polymorphic ventricular tachycardia 1. Last evaluated: 2022-04-15. Review status: criteria provided, single submitter. Criteria: Invitae Variant Classification Sherloc (09022015). Collection method: clinical testing. Allele origin: germline.

Color Diagnostics, LLC DBA Color Health
Classification: Likely benign for Cardiomyopathy. Last evaluated: 2021-11-02. Review status: criteria provided, single submitter. Criteria: ACMG Guidelines, 2015. Collection method: clinical testing. Allele origin: germline.

NM_001035.3(RYR2):c.10191C>A (p.Arg3397=)

Gene: RYR2 (ryanodine receptor 2; plus strand). Cytogenetic location: 1q43.
Variant type: single nucleotide variant.
Coding change: c.10191C>A on transcript NM_001035.3 (MANE Select); coding-DNA position 10191, C replaced by A.
Protein change: p.Arg3397=; no amino-acid change (arginine 3397 retained).
Molecular consequence: synonymous variant.
Genome position (GRCh38, 1-based): chr1:237,709,528, C>A. VCF-style: chr1-237709528-C-A. GRCh37 (hg19) VCF-style: chr1-237872828-C-A.
Other names: c.10191C>A, p.Arg3397= (LRG_402t1).
Identifiers: ClinVar variation 532412 (VCV000532412.16), dbSNP rs1029985619, ClinGen allele CA39794186.